The following is an entry in ClinVar:

NM_001365951.3(KIF1B):c.4024A>T (p.Lys1342Ter)

Gene: KIF1B (kinesin family member 1B; plus strand). Cytogenetic location: 1p36.22.
Variant type: single nucleotide variant.
Coding change: c.4024A>T on transcript NM_001365951.3 (MANE Select); coding-DNA position 4024, A replaced by T.
Protein change: p.Lys1342Ter; replaces lysine 1342 with a stop codon.
Molecular consequence: nonsense.
Genome position (GRCh38, 1-based): chr1:10,352,705, A>T. VCF-style: chr1-10352705-A-T. GRCh37 (hg19) VCF-style: chr1-10412763-A-T.
Other names: c.4024A>T, p.Lys1342Ter (NM_001365952.1); c.3886A>T, p.Lys1296Ter (NM_015074.3); short protein forms K1296*, K1342*.
Identifiers: ClinVar variation 1735840 (VCV001735840.2), dbSNP rs2521828521, ClinGen allele CA338344458.

ClinVar aggregate classification (germline): Uncertain significance (1 of 4 stars; one submission).

Submission:

Ambry Genetics
Classification: Uncertain significance. Last evaluated: 2022-05-25. Review status: criteria provided, single submitter. Criteria: Ambry Variant Classification Scheme 2023. Collection method: clinical testing. Allele origin: germline.
Comment: The p.K1296* variant (also known as c.3886A>T), located in coding exon 35 of the KIF1B gene, results from an A to T substitution at nucleotide position 3886. This changes the amino acid from a lysine to a stop codon within coding exon 35. This alteration is expected to result in premature protein truncation or nonsense-mediated mRNA decay. However, loss of function of KIF1B has not been clearly established as a mechanism of disease. Since supporting evidence is limited at this time, the clinical significance of this alteration remains unclear.